The following is an entry in ClinVar:

NM_000059.4(BRCA2):c.4483_4484del (p.Val1495fs)

Gene: BRCA2 (BRCA2 DNA repair associated; plus strand). Cytogenetic location: 13q13.1.
Variant type: Microsatellite.
Coding change: c.4483_4484del on transcript NM_000059.4 (MANE Select); coding-DNA positions 4483 to 4484, 2 bases deleted (GT; older notation c.4483_4484delGT).
Protein change: p.Val1495fs; shifts the reading frame from valine 1495.
Molecular consequence: frameshift variant.
Genome position (GRCh38, 1-based): chr13:32,338,838-32,338,839, GT deleted; deleting any 2 consecutive bases within chr13:32,338,836-32,338,839 gives the same sequence; the c. name uses the placement nearest the transcript's 3' end. VCF-style (leftmost placement, unchanged base first): chr13-32338835-AGT-A. GRCh37 (hg19) VCF-style: chr13-32912972-AGT-A.
Other names: c.4483_4484delGT (NM_000059.3); short protein forms V1495fs.
Identifiers: ClinVar variation 254536 (VCV000254536.3), dbSNP rs886038105, ClinGen allele CA10586524.

ClinVar aggregate classification (germline): Pathogenic. Review status: reviewed by expert panel (3 of 4 stars). 2 submissions from 2 submitters: Pathogenic (1). 1 of the submissions does not count toward it. Last evaluated 2016-09-08.

Conditions:
Breast-ovarian cancer, familial, susceptibility to, 2 (BROVCA2). Also called: BRCA2 Hereditary Breast and Ovarian Cancer. Identifiers: Orphanet 145, MedGen C2675520, MONDO:0012933, OMIM 612555. Disease mechanism: loss of function.

Submissions (2):

Evidence-based Network for the Interpretation of Germline Mutant Alleles (ENIGMA)
Classification: Pathogenic for Breast-ovarian cancer, familial, susceptibility to, 2. Last evaluated: 2016-09-08. Review status: reviewed by expert panel. Criteria: ENIGMA BRCA1/2 Classification Criteria (2015). Collection method: curation. Allele origin: germline.
Comment: Variant allele predicted to encode a truncated non-functional protein.

Myriad Genetics, Inc.
Classification: Pathogenic for Breast-ovarian cancer, familial, susceptibility to, 2. Last evaluated: 2023-09-27. Review status: criteria provided, single submitter. Criteria: Myriad Autosomal Dominant, Autosomal Recessive and X-Linked Classification Criteria (2023). Collection method: clinical testing. Allele origin: unknown. Not counted in ClinVar's aggregate classification.
Comment: This variant is considered pathogenic. This variant creates a frameshift predicted to result in premature protein truncation.